The following is an entry in ClinVar:

NM_000257.4(MYH7):c.299C>T (p.Ala100Val)

Gene: MYH7 (myosin heavy chain 7; minus strand). Cytogenetic location: 14q11.2.
Variant type: single nucleotide variant.
Coding change: c.299C>T on transcript NM_000257.4 (MANE Select); coding-DNA position 299, C replaced by T.
Protein change: p.Ala100Val; replaces alanine 100 with valine.
Molecular consequence: missense variant.
Genome position (GRCh38, 1-based): chr14:23,433,130, G>A on the plus strand (C>T on the coding strand, the complement: MYH7 is on the minus strand). VCF-style: chr14-23433130-G-A. GRCh37 (hg19) VCF-style: chr14-23902339-G-A.
Other names: short protein forms A100V.
Identifiers: ClinVar variation 228906 (VCV000228906.14), dbSNP rs876657882, ClinGen allele CA10576964.
Genomic context (GRCh38, chr14:23,433,130, plus strand): 5'-GGTGCAGCACTCACGTAGATCATCCAGGAGCCGTAGCGATCCTTGAGGTTGTAGAGCACC[G>A]CGGGCTCATGCAGGAAGGTCAGCATGGCCATGTCCTCGATTTTGTCGAACTTGGGTGGGT-3'
Protein context (NP_000248.2, residues 90-110): MAMLTFLHEP[Ala100Val]VLYNLKDRYG

ClinVar aggregate classification (germline): Uncertain significance. Review status: criteria provided, multiple submitters, no conflicts (2 of 4 stars). 3 submissions from 3 submitters: Uncertain significance (3). Last evaluated 2024-09-09.

Conditions:
Hypertrophic cardiomyopathy. Also called: HYPERTROPHIC MYOCARDIOPATHY. Identifiers: Orphanet 217569, MedGen C0007194, MeSH D002312, MONDO:0005045, HP:0001639.
Cardiovascular phenotype. Identifiers: MedGen CN230736.

Submissions (3):

Ambry Genetics
Classification: Uncertain significance for Cardiovascular phenotype. Last evaluated: 2024-09-09. Review status: criteria provided, single submitter. Criteria: Ambry Variant Classification Scheme 2023. Collection method: clinical testing. Allele origin: germline.
Comment: The p.A100V variant (also known as c.299C>T), located in coding exon 2 of the MYH7 gene, results from a C to T substitution at nucleotide position 299. The alanine at codon 100 is replaced by valine, an amino acid with similar properties. This amino acid position is well conserved in available vertebrate species. In addition, the in silico prediction for this alteration is inconclusive. Based on the available evidence, the clinical significance of this variant remains unclear.

Labcorp Genetics (formerly Invitae), Labcorp
Classification: Uncertain significance for Hypertrophic cardiomyopathy. Last evaluated: 2019-01-28. Review status: criteria provided, single submitter. Criteria: Invitae Variant Classification Sherloc (09022015). Collection method: clinical testing. Allele origin: germline.
Comment: This variant has not been reported in the literature in individuals with MYH7-related conditions. ClinVar contains an entry for this variant (Variation ID: 228906). In summary, the available evidence is currently insufficient to determine the role of this variant in disease. Therefore, it has been classified as a Variant of Uncertain Significance. Algorithms developed to predict the effect of missense changes on protein structure and function are either unavailable or do not agree on the potential impact of this missense change (SIFT: "Deleterious"; PolyPhen-2: "Probably Damaging"; Align-GVGD: "Class C0"). This variant is not present in population databases (ExAC no frequency). This sequence change replaces alanine with valine at codon 100 of the MYH7 protein (p.Ala100Val). The alanine residue is highly conserved and there is a small physicochemical difference between alanine and valine.

Laboratory for Molecular Medicine, Mass General Brigham Personalized Medicine
Classification: Uncertain significance. Last evaluated: 2015-04-08. Review status: criteria provided, single submitter. Criteria: LMM Criteria. Collection method: clinical testing. Allele origin: germline. Observed: 1 variant allele.
Comment: The p.Ala100Val variant in MYH7 has not been previously reported in individuals with cardiomyopathy or in large population studies. Computational prediction too ls and conservation analysis do not provide strong support for or against an imp act to the protein. In summary, the clinical significance of the p.Ala100Val var iant is uncertain.